The following is an entry in ClinVar:

ClinVar aggregate classification (germline): Uncertain significance. Review status: criteria provided, multiple submitters, no conflicts (2 of 4 stars). 3 submissions from 3 submitters: Uncertain significance (3). Last evaluated 2026-07-06.

Conditions:
BBS9-related disorder. Also called: BBS9-related condition.
Bardet-Biedl syndrome (BBS). Identifiers: Orphanet 110, MedGen C0752166, MONDO:0015229.

Allele frequency attached by ClinVar (database versions not stated): gnomAD 0.00001; gnomAD exomes 0.00001; TOPMed 0.00001.
gnomAD v4.1: 2 of 1,613,754 alleles (0.00012%); highest among the groups gnomAD compares: Admixed American, 0.0033%; no homozygotes.

Submissions (3):

PreventionGenetics, part of Exact Sciences
Classification: Uncertain significance for BBS9-related condition. Last evaluated: 2026-07-06. Review status: criteria provided, single submitter. Criteria: ACMG Guidelines, 2015. Collection method: clinical testing. Allele origin: germline.
Comment: The BBS9 c.1048G>C variant is predicted to result in the amino acid substitution p.Asp350His. To our knowledge, this variant has not been reported in the literature. This variant is reported in 0.0058% of alleles in individuals of Latino descent in gnomAD. At this time, the clinical significance of this variant is uncertain due to the absence of conclusive functional and genetic evidence.

Labcorp Genetics (formerly Invitae), Labcorp
Classification: Uncertain significance for Bardet-Biedl syndrome. Last evaluated: 2022-03-09. Review status: criteria provided, single submitter. Criteria: Invitae Variant Classification Sherloc (09022015). Collection method: clinical testing. Allele origin: germline.
Comment: This sequence change replaces aspartic acid, which is acidic and polar, with histidine, which is basic and polar, at codon 350 of the BBS9 protein (p.Asp350His). This variant is present in population databases (no rsID available, gnomAD 0.006%). This variant has not been reported in the literature in individuals affected with BBS9-related conditions. Algorithms developed to predict the effect of missense changes on protein structure and function (SIFT, PolyPhen-2, Align-GVGD) all suggest that this variant is likely to be disruptive. In summary, the available evidence is currently insufficient to determine the role of this variant in disease. Therefore, it has been classified as a Variant of Uncertain Significance.

Blueprint Genetics
Classification: Uncertain significance. Last evaluated: 2021-05-27. Review status: criteria provided, single submitter. Criteria: ACMG Guidelines, 2015. Collection method: clinical testing. Allele origin: germline.

NM_198428.3(BBS9):c.1048G>C (p.Asp350His)

Gene: BBS9 (Bardet-Biedl syndrome 9; plus strand). Cytogenetic location: 7p14.3.
Variant type: single nucleotide variant.
Coding change: c.1048G>C on transcript NM_198428.3 (MANE Select); coding-DNA position 1048, G replaced by C.
Protein change: p.Asp350His; replaces aspartic acid 350 with histidine.
Molecular consequence: missense variant. On other transcripts: non-coding transcript variant (3).
Genome position (GRCh38, 1-based): chr7:33,336,472, G>C. VCF-style: chr7-33336472-G-C. GRCh37 (hg19) VCF-style: chr7-33376084-G-C.
Other names: c.1048G>C, p.Asp350His (NM_001348043.3, NM_001362679.1, NM_014451.4 and 5 more transcripts); c.682G>C, p.Asp228His (NM_001348044.3, NM_001348045.3, NM_001348046.3 and 1 more transcripts); c.775G>C, p.Asp259His (NM_001348038.3, NM_001348039.3); c.913G>C, p.Asp305His (NM_001348042.3); c.1048G>C (NM_198428.2); short protein forms D259H, D305H, D228H, D350H.
Identifiers: ClinVar variation 1396388 (VCV001396388.5), dbSNP rs1450271969, ClinGen allele CA367254139.
Genomic context (GRCh38, chr7:33,336,472, plus strand): 5'-TATGTCTCATTTTCTCTTCCTTATTGTAGTGATTTAAAGGGAGTGATAGTCACTCTGAGT[G>C]ATGATGGTCACTTGCAGTGTTCATACCTGGGGACAGATCCTTCTCTGTTCCAAGCTCCAA-3'
Protein context (NP_940820.1, residues 340-360): DLKGVIVTLS[Asp350His]DGHLQCSYLG